The following is an entry in ClinVar:

NM_000091.5(COL4A3):c.4691_4692insTT (p.Thr1565fs)

Genes: COL4A3 (collagen type IV alpha 3 chain; plus strand), MFF-DT (MFF divergent transcript; minus strand). Cytogenetic location: 2q36.3.
Variant type: Insertion.
Coding change: c.4691_4692insTT on transcript NM_000091.5 (MANE Select); coding-DNA positions 4691 to 4692, TT inserted.
Protein change: p.Thr1565fs; shifts the reading frame from threonine 1565.
Molecular consequence: frameshift variant.
Genome position: GRCh38 VCF-style: chr2-227309254-C-CTT. GRCh37 (hg19) VCF-style: chr2-228173970-C-CTT.
Other names: short protein forms T1565fs.
Identifiers: ClinVar variation 4733909 (VCV004733909.1).

ClinVar aggregate classification (germline): Pathogenic (1 of 4 stars; one submission).

Submission:

Labcorp Genetics (formerly Invitae), Labcorp
Classification: Pathogenic. Last evaluated: 2025-12-22. Review status: criteria provided, single submitter. Criteria: Invitae Variant Classification Sherloc (09022015). Collection method: clinical testing. Allele origin: germline.
Comment: This sequence change creates a premature translational stop signal (p.Thr1565Serfs*51) in the COL4A3 gene. It is expected to result in an absent or disrupted protein product. Loss-of-function variants in COL4A3 are known to be pathogenic (PMID: 8956999, 24854265, 26809805, 27281700). This variant is not present in population databases (gnomAD no frequency). This variant has not been reported in the literature in individuals affected with COL4A3-related conditions. For these reasons, this variant has been classified as Pathogenic.

Literature cited by the submitters: PubMed 8956999; PubMed 24854265; PubMed 26809805; PubMed 27281700.